The following is an entry in ClinVar:

ClinVar aggregate classification (germline): Uncertain significance (1 of 4 stars; one submission).

Conditions:
Tuberous sclerosis 2 (TSC2). Identifiers: Orphanet 805, MedGen C1860707, MONDO:0013199, OMIM 613254.

Submission:

Labcorp Genetics (formerly Invitae), Labcorp
Classification: Uncertain significance for Tuberous sclerosis 2. Last evaluated: 2024-11-15. Review status: criteria provided, single submitter. Criteria: Invitae Variant Classification Sherloc (09022015). Collection method: clinical testing. Allele origin: germline.
Comment: This sequence change replaces proline, which is neutral and non-polar, with threonine, which is neutral and polar, at codon 1218 of the TSC2 protein (p.Pro1218Thr). This variant is not present in population databases (gnomAD no frequency). This variant has not been reported in the literature in individuals affected with TSC2-related conditions. Invitae Evidence Modeling of protein sequence and biophysical properties (such as structural, functional, and spatial information, amino acid conservation, physicochemical variation, residue mobility, and thermodynamic stability) indicates that this missense variant is not expected to disrupt TSC2 protein function with a negative predictive value of 95%. In summary, the available evidence is currently insufficient to determine the role of this variant in disease. Therefore, it has been classified as a Variant of Uncertain Significance.

NM_000548.5(TSC2):c.3652C>A (p.Pro1218Thr)

Gene: TSC2 (TSC complex subunit 2; plus strand). Cytogenetic location: 16p13.3.
Variant type: single nucleotide variant.
Coding change: c.3652C>A on transcript NM_000548.5 (MANE Select); coding-DNA position 3652, C replaced by A.
Protein change: p.Pro1218Thr; replaces proline 1218 with threonine.
Molecular consequence: missense variant. On other transcripts: non-coding transcript variant (5).
Genome position (GRCh38, 1-based): chr16:2,081,636, C>A. VCF-style: chr16-2081636-C-A. GRCh37 (hg19) VCF-style: chr16-2131637-C-A.
Other names: c.2920C>A, p.Pro974Thr (NM_001406687.1, NM_001406688.1, NM_001318831.2); c.2308C>A, p.Pro770Thr (NM_001406689.1); c.2179C>A, p.Pro727Thr (NM_001406690.1, NM_001406692.1, NM_001406693.1 and 1 more transcripts); c.2176C>A, p.Pro726Thr (NM_001406691.1, NM_001406695.1, NM_001406696.1 and 1 more transcripts); c.1918C>A, p.Pro640Thr (NM_001406698.1); c.3523C>A, p.Pro1175Thr (NM_021055.3, NM_001363528.2, NM_001370405.1); c.3520C>A, p.Pro1174Thr (NM_001077183.3, NM_001370404.1, NM_001406665.1); c.3652C>A, p.Pro1218Thr (NM_001114382.3); and 18 more; short protein forms P1017T, P1021T, P1155T, P1169T, P1170T, P1175T, P1205T, P727T.
Identifiers: ClinVar variation 3637223 (VCV003637223.2).